The following is an entry in ClinVar:

ClinVar aggregate classification (germline): Uncertain significance (1 of 4 stars; one submission).

Conditions:
Cardiovascular phenotype. Identifiers: MedGen CN230736.

Submission:

Ambry Genetics
Classification: Uncertain significance for Cardiovascular phenotype. Last evaluated: 2024-09-02. Review status: criteria provided, single submitter. Criteria: Ambry Variant Classification Scheme 2023. Collection method: clinical testing. Allele origin: germline.
Comment: The p.E464K variant (also known as c.1390G>A), located in coding exon 12 of the PRDM5 gene, results from a G to A substitution at nucleotide position 1390. The glutamic acid at codon 464 is replaced by lysine, an amino acid with similar properties. This amino acid position is conserved. In addition, this alteration is predicted to be tolerated by in silico analysis. Based on the available evidence, the clinical significance of this variant remains unclear.

NM_018699.4(PRDM5):c.1390G>A (p.Glu464Lys)

Gene: PRDM5 (PR/SET domain 5; minus strand). Cytogenetic location: 4q27.
Variant type: single nucleotide variant.
Coding change: c.1390G>A on transcript NM_018699.4 (MANE Select); coding-DNA position 1390, G replaced by A.
Protein change: p.Glu464Lys; replaces glutamic acid 464 with lysine.
Molecular consequence: missense variant.
Genome position (GRCh38, 1-based): chr4:120,781,196, C>T on the plus strand (G>A on the coding strand, the complement: PRDM5 is on the minus strand). VCF-style: chr4-120781196-C-T. GRCh37 (hg19) VCF-style: chr4-121702351-C-T.
Other names: c.1297G>A, p.Glu433Lys (NM_001300823.2, NM_001300824.2, NM_001379106.1); c.1423G>A, p.Glu475Lys (NM_001379104.1); short protein forms E433K, E464K, E475K.
Identifiers: ClinVar variation 3424711 (VCV003424711.1).